The following is an entry in ClinVar:

NM_021098.3(CACNA1H):c.3643C>T (p.Arg1215Cys)

Gene: CACNA1H (calcium voltage-gated channel subunit alpha1 H; plus strand). Cytogenetic location: 16p13.3.
Variant type: single nucleotide variant.
Coding change: c.3643C>T on transcript NM_021098.3 (MANE Select); coding-DNA position 3643, C replaced by T.
Protein change: p.Arg1215Cys; replaces arginine 1215 with cysteine.
Molecular consequence: missense variant.
Genome position (GRCh38, 1-based): chr16:1,209,311, C>T. VCF-style: chr16-1209311-C-T. GRCh37 (hg19) VCF-style: chr16-1259311-C-T.
Other names: c.3643C>T, p.Arg1215Cys (NM_001005407.2); short protein forms R1215C.
Identifiers: ClinVar variation 529594 (VCV000529594.9), dbSNP rs756154211, ClinGen allele CA7800828.

ClinVar aggregate classification (germline): Conflicting classifications of pathogenicity. Review status: criteria provided, conflicting classifications (1 of 4 stars). 3 submissions from 3 submitters: Uncertain significance (2); Benign (1). Last evaluated 2025-06-09.

Conditions:
Epilepsy, childhood absence, susceptibility to, 6. Identifiers: Orphanet 64280, MedGen C2749872, MONDO:0012763, OMIM 611942.
Idiopathic generalized epilepsy. Also called: EIG; Generalised epilepsy. Identifiers: MedGen C0270850, MONDO:0005579, OMIM 600669.
Hyperaldosteronism, familial, type IV (HALD4). Also called: FH IV; ALDOSTERONISM, PRIMARY, AND HYPERTENSION. Identifiers: Orphanet 642671, MedGen C4310756, MONDO:0014875, OMIM 617027.

Allele frequency attached by ClinVar (database versions not stated): gnomAD exomes 0.00005; ExAC 0.00007; gnomAD 0.00009; TOPMed 0.00014.
gnomAD v4.1: 88 of 1,596,574 alleles (0.0055%); highest among the groups gnomAD compares: Admixed American, 0.015%; 1 homozygote.

Submissions (3):

Labcorp Genetics (formerly Invitae), Labcorp
Classification: Benign for Idiopathic generalized epilepsy; Hyperaldosteronism, familial, type IV. Last evaluated: 2025-06-09. Review status: criteria provided, single submitter. Criteria: Invitae Variant Classification Sherloc (09022015). Collection method: clinical testing. Allele origin: germline.

Women's Health and Genetics/Laboratory Corporation of America, LabCorp
Classification: Uncertain significance. Last evaluated: 2024-12-24. Review status: criteria provided, single submitter. Criteria: LabCorp Variant Classification Summary - May 2015. Collection method: clinical testing. Allele origin: germline.
Comment: Variant summary: CACNA1H c.3643C>T (p.Arg1215Cys) results in a non-conservative amino acid change in the encoded protein sequence. Three of five in-silico tools predict a benign effect of the variant on protein function. The variant allele was found at a frequency of 5.4e-05 in 224194 control chromosomes (gnomAD). This frequency is not significantly higher than estimated for a pathogenic variant in CACNA1H causing Idiopathic Generalized Epilepsy, allowing no conclusion about variant significance. c.3643C>T has been reported in the literature in one individual affected with Hemiplegic migraine (Maksemous_2023). The report does not provide unequivocal conclusions about association of the variant with Idiopathic Generalized Epilepsy. To our knowledge, no experimental evidence demonstrating an impact on protein function has been reported. The following publication have been ascertained in the context of this evaluation (PMID: 36786913). ClinVar contains an entry for this variant (Variation ID: 529594). Based on the evidence outlined above, the variant was classified as uncertain significance.

New York Genome Center
Classification: Uncertain significance for Epilepsy, childhood absence, susceptibility to, 6. Last evaluated: 2020-05-14. Review status: criteria provided, single submitter. Criteria: NYGC Assertion Criteria 2020. Collection method: clinical testing. Allele origin: paternal. Observed: 1 heterozygote. Study: CSER-NYCKidSeq. Segregation with disease not observed.

Literature cited by the submitters: PubMed 36786913 (cited by Women's Health and Genetics/Laboratory Corporation of America, LabCorp).